The following is an entry in ClinVar:

ClinVar aggregate classification (germline): Pathogenic (1 of 4 stars; one submission).

Conditions:
Loeys-Dietz syndrome 4 (LDS4). Also called: ANEURYSM, AORTIC AND CEREBRAL, WITH ARTERIAL TORTUOSITY AND SKELETAL MANIFESTATIONS; TGFB2-Related Loeys-Dietz Syndrome. Identifiers: MedGen C3553762, MONDO:0013897, OMIM 614816.

Submission:

Labcorp Genetics (formerly Invitae), Labcorp
Classification: Pathogenic for Loeys-Dietz syndrome 4. Last evaluated: 2019-12-12. Review status: criteria provided, single submitter. Criteria: Invitae Variant Classification Sherloc (09022015). Collection method: clinical testing. Allele origin: germline.
Comment: A gross deletion of the genomic region encompassing the full coding sequence of the TGFB3 gene has been identified. The boundaries of this event are unknown as the deletion extends beyond the assayed region for this gene and therefore may encompass additional genes. This variant has not been reported in the literature in individuals with TGFB3-related conditions. Loss-of-function variants in TGFB3 are known to be pathogenic (PMID: 25835445, 26188975). For these reasons, this variant has been classified as Pathogenic.

NC_000014.9:g.(?_75958692)_(75980923_?)del

Gene: TGFB3 (transforming growth factor beta 3; minus strand). Cytogenetic location: 14q24.3.
Variant type: Deletion.
Identifiers: ClinVar variation 832288 (VCV000832288.1).